The following is an entry in ClinVar:

NM_007294.4(BRCA1):c.1091del (p.Pro364fs)

Gene: BRCA1 (BRCA1 DNA repair associated; minus strand). Cytogenetic location: 17q21.31.
Variant type: Deletion.
Coding change: c.1091del on transcript NM_007294.4 (MANE Select); coding-DNA position 1091, one base deleted (C; older notation c.1091delC).
Protein change: p.Pro364fs; shifts the reading frame from proline 364.
Molecular consequence: frameshift variant. On other transcripts: intron variant (137).
Genome position (GRCh38, 1-based): chr17:43,094,440, G deleted on the plus strand (C on the coding strand, the reverse complement: BRCA1 is on the minus strand); the first of 2 consecutive G bases (chr17:43,094,440-43,094,441); deleting either gives the same sequence. VCF-style (leftmost placement, unchanged base first): chr17-43094439-AG-A. GRCh37 (hg19) VCF-style: chr17-41246456-AG-A.
Other names: 1210delC-ter373; c.1091delC (NM_007294.3); c.787+304del (NM_007298.4, NM_001407978.1, NM_001407979.1 and 19 more transcripts); c.643+304del (NM_001408462.1, NM_001408470.1, NM_001408464.1 and 3 more transcripts); c.709+304del (NM_001408414.1, NM_001408411.1, NM_001408415.1 and 2 more transcripts); c.577+304del (NM_001408514.1, NM_001408485.1, NM_001408483.1 and 9 more transcripts); c.661+304del (NM_001408447.1, NM_001408433.1, NM_001408446.1 and 6 more transcripts); c.784+304del (NM_001408400.1, NM_001408392.1, NM_001407986.1 and 13 more transcripts); and 42 more; short protein forms P364fs, P317fs, P253fs, P363fs, P237fs, P252fs, P293fs, P296fs.
Identifiers: ClinVar variation 54125 (VCV000054125.7), dbSNP rs397508834, ClinGen allele CA000731.

ClinVar aggregate classification (germline): Pathogenic. Review status: reviewed by expert panel (3 of 4 stars). 2 submissions from 2 submitters: Pathogenic (1). 1 of the submissions does not count toward it. Last evaluated 2016-10-18.

Conditions:
Breast-ovarian cancer, familial, susceptibility to, 1 (BROVCA1). Also called: OVARIAN CANCER, SUSCEPTIBILITY TO; BRCA1 Hereditary Breast and Ovarian Cancer. Identifiers: Orphanet 145, MedGen C2676676, MONDO:0011450, OMIM 604370. Disease mechanism: loss of function.

Submissions (2):

Evidence-based Network for the Interpretation of Germline Mutant Alleles (ENIGMA)
Classification: Pathogenic for Breast-ovarian cancer, familial, susceptibility to, 1. Last evaluated: 2016-10-18. Review status: reviewed by expert panel. Criteria: ENIGMA BRCA1/2 Classification Criteria (2015). Collection method: curation. Allele origin: germline.
Comment: Variant allele predicted to encode a truncated non-functional protein.

Consortium of Investigators of Modifiers of BRCA1/2 (CIMBA), c/o University of Cambridge
Classification: Pathogenic for Breast-ovarian cancer, familial, susceptibility to, 1. Last evaluated: 2015-10-02. Review status: criteria provided, single submitter. Criteria: CIMBA Mutation Classification guidelines May 2016. Collection method: clinical testing. Allele origin: germline. Not counted in ClinVar's aggregate classification.